The following is an entry in ClinVar:

NM_015340.4(LARS2):c.2581C>T (p.Arg861Trp)

Gene: LARS2 (leucyl-tRNA synthetase 2, mitochondrial; plus strand). Cytogenetic location: 3p21.31.
Variant type: single nucleotide variant.
Coding change: c.2581C>T on transcript NM_015340.4 (MANE Select); coding-DNA position 2581, C replaced by T.
Protein change: p.Arg861Trp; replaces arginine 861 with tryptophan.
Molecular consequence: missense variant.
Genome position (GRCh38, 1-based): chr3:45,547,399, C>T. VCF-style: chr3-45547399-C-T. GRCh37 (hg19) VCF-style: chr3-45588891-C-T.
Other names: c.2581C>T, p.Arg861Trp (NM_001368263.1); short protein forms R861W.
Identifiers: ClinVar variation 1924306 (VCV001924306.4), dbSNP rs556149785, ClinGen allele CA2349949.
Genomic context (GRCh38, chr3:45,547,399, plus strand): 5'-TCTCCTTCTCAGATCAACAATAAAGCTTGTGGCAAAATTCCTGTGCCCCAACAAGTTGCC[C>T]GGGACCAGGACAAAGTCCACGAATTTGTTCTTCAAAGCGAGCTGGGTGTCAGGCTTTTGC-3'
Protein context (NP_056155.1, residues 851-871): GKIPVPQQVA[Arg861Trp]DQDKVHEFVL

ClinVar aggregate classification (germline): Uncertain significance (1 of 4 stars; one submission).

Allele frequency attached by ClinVar (database versions not stated): ExAC 0.00001; gnomAD 0.00001; gnomAD exomes 0.00001; TOPMed 0.00002.

Submission:

Labcorp Genetics (formerly Invitae), Labcorp
Classification: Uncertain significance. Last evaluated: 2023-11-27. Review status: criteria provided, single submitter. Criteria: Invitae Variant Classification Sherloc (09022015). Collection method: clinical testing. Allele origin: germline.
Comment: This sequence change replaces arginine, which is basic and polar, with tryptophan, which is neutral and slightly polar, at codon 861 of the LARS2 protein (p.Arg861Trp). This variant is present in population databases (rs556149785, gnomAD 0.003%). This variant has not been reported in the literature in individuals affected with LARS2-related conditions. ClinVar contains an entry for this variant (Variation ID: 1924306). Advanced modeling of protein sequence and biophysical properties (such as structural, functional, and spatial information, amino acid conservation, physicochemical variation, residue mobility, and thermodynamic stability) performed at Invitae indicates that this missense variant is not expected to disrupt LARS2 protein function with a negative predictive value of 80%. In summary, the available evidence is currently insufficient to determine the role of this variant in disease. Therefore, it has been classified as a Variant of Uncertain Significance.